The following is an entry in ClinVar:

NM_004006.3(DMD):c.4879C>T (p.His1627Tyr)

Gene: DMD (dystrophin; minus strand). Cytogenetic location: Xp21.1.
Variant type: single nucleotide variant.
Coding change: c.4879C>T on transcript NM_004006.3 (MANE Select); coding-DNA position 4879, C replaced by T.
Protein change: p.His1627Tyr; replaces histidine 1627 with tyrosine.
Molecular consequence: missense variant.
Genome position (GRCh38, 1-based): chrX:32,365,166, G>A on the plus strand (C>T on the coding strand, the complement: DMD is on the minus strand). VCF-style: chrX-32365166-G-A. GRCh37 (hg19) VCF-style: chrX-32383283-G-A.
Other names: c.4855C>T, p.His1619Tyr (NM_000109.4); c.4867C>T, p.His1623Tyr (NM_004009.3); c.4510C>T, p.His1504Tyr (NM_004010.3); c.856C>T, p.His286Tyr (NM_004011.4); c.847C>T, p.His283Tyr (NM_004012.4); short protein forms H1504Y, H1619Y, H1627Y, H1623Y, H283Y, H286Y.
Identifiers: ClinVar variation 3016119 (VCV003016119.3), dbSNP rs2522572311, ClinGen allele CA412672431.

ClinVar aggregate classification (germline): Uncertain significance (1 of 4 stars; one submission).

Conditions:
Duchenne muscular dystrophy (DMD). Also called: MUSCULAR DYSTROPHY, PSEUDOHYPERTROPHIC PROGRESSIVE, DUCHENNE TYPE; Duchenne Muscular Dystrophy (DMD). Identifiers: Orphanet 98896, MedGen C0013264, MONDO:0010679, OMIM 310200.

gnomAD v4.1: 1 of 1,210,730 alleles (0.000083%); no homozygotes.

Submission:

Labcorp Genetics (formerly Invitae), Labcorp
Classification: Uncertain significance for Duchenne muscular dystrophy. Last evaluated: 2024-01-09. Review status: criteria provided, single submitter. Criteria: Invitae Variant Classification Sherloc (09022015). Collection method: clinical testing. Allele origin: germline.
Comment: This sequence change replaces histidine, which is basic and polar, with tyrosine, which is neutral and polar, at codon 1627 of the DMD protein (p.His1627Tyr). This variant is not present in population databases (gnomAD no frequency). This variant has not been reported in the literature in individuals affected with DMD-related conditions. Advanced modeling of protein sequence and biophysical properties (such as structural, functional, and spatial information, amino acid conservation, physicochemical variation, residue mobility, and thermodynamic stability) performed at Invitae indicates that this missense variant is not expected to disrupt DMD protein function with a negative predictive value of 95%. In summary, the available evidence is currently insufficient to determine the role of this variant in disease. Therefore, it has been classified as a Variant of Uncertain Significance.